The following is an entry in ClinVar:

ClinVar aggregate classification (germline): Pathogenic (1 of 4 stars; one submission).

Conditions:
Waardenburg syndrome type 1 (WS1). Also called: WAARDENBURG SYNDROME WITH DYSTOPIA CANTHORUM; Waardenburg Syndrome Type I. Identifiers: Orphanet 894, MedGen C1847800, MONDO:0008670, OMIM 193500.

Submission:

Institute of Rare Diseases, West China Hospital, Sichuan University
Classification: Pathogenic for Waardenburg syndrome type 1. Last evaluated: 2025-01-09. Review status: criteria provided, single submitter. Criteria: ClinGen HL ACMG Specifications v1. Collection method: research. Allele origin: germline. Affected: yes.
Comment: PM1;PVS1;PP4;PM2_Supporting

NM_181458.4(PAX3):c.169dup (p.His57fs)

Gene: PAX3 (paired box 3; minus strand). Cytogenetic location: 2q36.1.
Variant type: Duplication.
Coding change: c.169dup on transcript NM_181458.4 (MANE Select); coding-DNA position 169, one base duplicated (C; older notation c.169dupC).
Protein change: p.His57fs; shifts the reading frame from histidine 57.
Molecular consequence: frameshift variant.
Genome position (GRCh38, 1-based): chr2:222,297,130, G duplicated on the plus strand (C on the coding strand, the reverse complement: PAX3 is on the minus strand); the first of 2 consecutive G bases (chr2:222,297,130-222,297,131); duplicating either gives the same sequence. VCF-style (leftmost placement, unchanged base first): chr2-222297129-T-TG. GRCh37 (hg19) VCF-style: chr2-223161848-T-TG.
Other names: c.169dup, p.His57fs (NM_000438.6, NM_001127366.3, NM_013942.5 and 4 more transcripts); short protein forms H57fs.
Identifiers: ClinVar variation 3601570 (VCV003601570.1).
Genomic context (GRCh38, chr2:222,297,129, plus strand): 5'-CGCAGCTGGCGCGAGATGACGCAGGGCCGGATGCCGTGGTGGGCCATCTCCACGATCTTG[T>TG]GGCGGATGTGGTTGGGCAGCGGCCTGCCGTTGATAAAAACACCGCCGAGCTGGTTGACGC-3'